The following is an entry in ClinVar:

NM_012414.4(RAB3GAP2):c.3183C>G (p.Phe1061Leu)

Gene: RAB3GAP2 (RAB3 GTPase activating non-catalytic protein subunit 2; minus strand). Cytogenetic location: 1q41.
Variant type: single nucleotide variant.
Coding change: c.3183C>G on transcript NM_012414.4 (MANE Select); coding-DNA position 3183, C replaced by G.
Protein change: p.Phe1061Leu; replaces phenylalanine 1061 with leucine.
Molecular consequence: missense variant.
Genome position (GRCh38, 1-based): chr1:220,162,240, G>C on the plus strand (C>G on the coding strand, the complement: RAB3GAP2 is on the minus strand). VCF-style: chr1-220162240-G-C. GRCh37 (hg19) VCF-style: chr1-220335582-G-C.
Other names: short protein forms F1061L.
Identifiers: ClinVar variation 531895 (VCV000531895.8), dbSNP rs760241426, ClinGen allele CA1402208.
Genomic context (GRCh38, chr1:220,162,240, plus strand): 5'-TACATGAAACTACCTTACCTTATCCATTAAGTATGTAGCAGCAGAAAATCTTTTAACTAA[G>C]AACGTATTCCACATCATCAGTGCAATGCCTAGATAGCAAGTAAAAGTAGTAAATAGAATG-3'
Protein context (NP_036546.2, residues 1051-1071): NGIALMMWNT[Phe1061Leu]LVKRFSAATY

ClinVar aggregate classification (germline): Uncertain significance (1 of 4 stars; one submission).

Conditions:
Warburg micro syndrome 2 (WARBM2). Also called: MICRO SYNDROME 2. Identifiers: Orphanet 2510, MedGen C3280214, MONDO:0013641, OMIM 614225.
Martsolf syndrome (MARTS). Also called: Congenital cataract with intellectual disability and hypogonadotropic hypogonadism syndrome. Identifiers: Orphanet 1387, MedGen C0796037, MONDO:0023910.

Allele frequency attached by ClinVar (database versions not stated): gnomAD 0.00001; gnomAD exomes 0.00001; TOPMed 0.00001; ExAC 0.00002.
gnomAD v4.1: 4 of 1,596,256 alleles (0.00025%); highest among the groups gnomAD compares: Non-Finnish European, 0.00034%; no homozygotes.

Submission:

Labcorp Genetics (formerly Invitae), Labcorp
Classification: Uncertain significance for Martsolf syndrome; Warburg micro syndrome 2. Last evaluated: 2017-10-10. Review status: criteria provided, single submitter. Criteria: Invitae Variant Classification Sherloc (09022015). Collection method: clinical testing. Allele origin: germline.
Comment: This sequence change replaces phenylalanine with leucine at codon 1061 of the RAB3GAP2 protein (p.Phe1061Leu). The phenylalanine residue is moderately conserved and there is a small physicochemical difference between phenylalanine and leucine. This variant is present in population databases (rs760241426, ExAC 0.003%). This variant has not been reported in the literature in individuals with RAB3GAP2-related disease. Algorithms developed to predict the effect of missense changes on protein structure and function do not agree on the potential impact of this missense change (SIFT: "Tolerated"; PolyPhen-2: "Probably Damaging"; Align-GVGD: "Class C0"). In summary, the available evidence is currently insufficient to determine the role of this variant in disease. Therefore, it has been classified as a Variant of Uncertain Significance.